The following is an entry in ClinVar:

NM_002439.5(MSH3):c.1418C>A (p.Thr473Lys)

Gene: MSH3 (mutS homolog 3; plus strand). Cytogenetic location: 5q14.1.
Variant type: single nucleotide variant.
Coding change: c.1418C>A on transcript NM_002439.5 (MANE Select); coding-DNA position 1418, C replaced by A.
Protein change: p.Thr473Lys; replaces threonine 473 with lysine.
Molecular consequence: missense variant.
Genome position (GRCh38, 1-based): chr5:80,725,530, C>A. VCF-style: chr5-80725530-C-A. GRCh37 (hg19) VCF-style: chr5-80021349-C-A.
Other names: c.1418C>A (NM_002439.3); short protein forms T473K.
Identifiers: ClinVar variation 3359397 (VCV003359397.2).

ClinVar aggregate classification (germline): Uncertain significance. Review status: criteria provided, multiple submitters, no conflicts (2 of 4 stars). 2 submissions from 2 submitters: Uncertain significance (2). Last evaluated 2026-07-06.

Conditions:
Hereditary cancer-predisposing syndrome. Also called: Tumor predisposition; Hereditary Cancer Syndrome; Hereditary neoplastic syndrome; Neoplastic Syndromes, Hereditary. Identifiers: Orphanet 140162, MedGen C0027672, MeSH D009386, MONDO:0015356.

gnomAD v4.1: 1 of 1,613,838 alleles (0.000062%); highest among the groups gnomAD compares: Non-Finnish European, 0.000085%; no homozygotes.

Submissions (2):

Ambry Genetics
Classification: Uncertain significance for Hereditary cancer-predisposing syndrome. Last evaluated: 2026-07-06. Review status: criteria provided, single submitter. Criteria: Ambry Variant Classification Scheme 2023. Collection method: clinical testing. Allele origin: germline.
Comment: The p.T473K variant (also known as c.1418C>A), located in coding exon 9 of the MSH3 gene, results from a C to A substitution at nucleotide position 1418. The threonine at codon 473 is replaced by lysine, an amino acid with similar properties. This amino acid position is conserved. In addition, the in silico prediction for this alteration is inconclusive. Based on the available evidence, the clinical significance of this variant remains unclear.

GeneDx
Classification: Uncertain significance. Last evaluated: 2023-05-30. Review status: criteria provided, single submitter. Criteria: GeneDx Variant Classification Process June 2021. Collection method: clinical testing. Allele origin: germline. Affected: yes.
Comment: Not observed at significant frequency in large population cohorts (gnomAD); In silico analysis supports that this missense variant does not alter protein structure/function; Has not been previously published as pathogenic or benign to our knowledge